The following is an entry in ClinVar:

ClinVar aggregate classification (germline): Uncertain significance (1 of 4 stars; one submission).

Submission:

Labcorp Genetics (formerly Invitae), Labcorp
Classification: Uncertain significance. Last evaluated: 2024-10-28. Review status: criteria provided, single submitter. Criteria: Invitae Variant Classification Sherloc (09022015). Collection method: clinical testing. Allele origin: germline.
Comment: This sequence change replaces glycine, which is neutral and non-polar, with serine, which is neutral and polar, at codon 1632 of the MYO5B protein (p.Gly1632Ser). This variant is not present in population databases (gnomAD no frequency). This variant has not been reported in the literature in individuals affected with MYO5B-related conditions. ClinVar contains an entry for this variant (Variation ID: 1715494). Invitae Evidence Modeling of protein sequence and biophysical properties (such as structural, functional, and spatial information, amino acid conservation, physicochemical variation, residue mobility, and thermodynamic stability) indicates that this missense variant is not expected to disrupt MYO5B protein function with a negative predictive value of 80%. In summary, the available evidence is currently insufficient to determine the role of this variant in disease. Therefore, it has been classified as a Variant of Uncertain Significance.

NM_001080467.3(MYO5B):c.4894G>A (p.Gly1632Ser)

Genes: MYO5B (myosin VB; minus strand), SNHG22 (small nucleolar RNA host gene 22; plus strand). Cytogenetic location: 18q21.1.
Variant type: single nucleotide variant.
Coding change: c.4894G>A on transcript NM_001080467.3 (MANE Select); coding-DNA position 4894, G replaced by A.
Protein change: p.Gly1632Ser; replaces glycine 1632 with serine.
Molecular consequence: missense variant.
Genome position (GRCh38, 1-based): chr18:49,837,761, C>T on the plus strand (G>A on the coding strand, the complement: MYO5B is on the minus strand). VCF-style: chr18-49837761-C-T. GRCh37 (hg19) VCF-style: chr18-47364131-C-T.
Other names: short protein forms G1632S.
Identifiers: ClinVar variation 1715494 (VCV001715494.5), dbSNP rs1051156054, ClinGen allele CA402422394.